The following is an entry in ClinVar:

NM_001042492.3(NF1):c.1404del (p.Phe468fs)

Gene: NF1 (neurofibromin 1; plus strand). Cytogenetic location: 17q11.2.
Variant type: Deletion.
Coding change: c.1404del on transcript NM_001042492.3 (MANE Select); coding-DNA position 1404, one base deleted (T; older notation c.1404delT).
Protein change: p.Phe468fs; shifts the reading frame from phenylalanine 468.
Molecular consequence: frameshift variant.
Genome position (GRCh38, 1-based): chr17:31,214,462, T deleted; the last of 3 consecutive T bases (chr17:31,214,460-31,214,462); deleting any one gives the same sequence. VCF-style (leftmost placement, unchanged base first): chr17-31214459-AT-A. GRCh37 (hg19) VCF-style: chr17-29541477-AT-A.
Other names: c.1404delT, p.Phe468Leufs (NM_000267.4); c.1404del, p.Phe468fs (NM_001128147.3); short protein forms F468fs.
Identifiers: ClinVar variation 2505582 (VCV002505582.2), dbSNP rs2143958767, ClinGen allele CA2580614050.

ClinVar aggregate classification (germline): Pathogenic. Review status: criteria provided, multiple submitters, no conflicts (2 of 4 stars). 2 submissions from 2 submitters: Pathogenic (2). Last evaluated 2025-02-18.

Conditions:
Neurofibromatosis, type 1 (NF1). Also called: Peripheral type neurofibromatosis; Neurofibromatosis, type I; VON RECKLINGHAUSEN DISEASE; NEUROFIBROMATOSIS, TYPE I, SOMATIC. Identifiers: Orphanet 636, MedGen C0027831, MONDO:0018975, OMIM 162200. Disease mechanism: loss of function.

Submissions (2):

Labcorp Genetics (formerly Invitae), Labcorp
Classification: Pathogenic for Neurofibromatosis, type 1. Last evaluated: 2025-02-18. Review status: criteria provided, single submitter. Criteria: Invitae Variant Classification Sherloc (09022015). Collection method: clinical testing. Allele origin: germline.
Comment: This sequence change creates a premature translational stop signal (p.Phe468Leufs*5) in the NF1 gene. It is expected to result in an absent or disrupted protein product. Loss-of-function variants in NF1 are known to be pathogenic (PMID: 10712197, 23913538). This variant is not present in population databases (gnomAD no frequency). This variant has not been reported in the literature in individuals affected with NF1-related conditions. ClinVar contains an entry for this variant (Variation ID: 2505582). For these reasons, this variant has been classified as Pathogenic.

Institute of Medical Genetics and Applied Genomics, University Hospital Tübingen
Classification: Pathogenic for Neurofibromatosis, type 1. Last evaluated: 2023-06-21. Review status: criteria provided, single submitter. Criteria: ACMG Guidelines, 2015. Collection method: clinical testing. Allele origin: germline. Inheritance: Autosomal dominant inheritance. Affected: yes.

Literature cited by the submitters: PubMed 10712197 (cited by Labcorp Genetics (formerly Invitae), Labcorp); PubMed 23913538 (cited by Labcorp Genetics (formerly Invitae), Labcorp).